The following is an entry in ClinVar:

ClinVar aggregate classification (germline): Uncertain significance (1 of 4 stars; one submission).

Conditions:
Epileptic encephalopathy. Identifiers: MedGen C0543888, HP:0200134.

Submission:

Labcorp Genetics (formerly Invitae), Labcorp
Classification: Uncertain significance for Epileptic encephalopathy. Last evaluated: 2018-11-27. Review status: criteria provided, single submitter. Criteria: Invitae Variant Classification Sherloc (09022015). Collection method: clinical testing. Allele origin: germline.
Comment: In summary, the available evidence is currently insufficient to determine the role of this variant in disease. Therefore, it has been classified as a Variant of Uncertain Significance. Nucleotide substitutions within the consensus splice site are a relatively common cause of aberrant splicing (PMID: 17576681, 9536098). Algorithms developed to predict the effect of sequence changes on RNA splicing suggest that this variant may disrupt the consensus splice site, but this prediction has not been confirmed by published transcriptional studies. This variant has not been reported in the literature in individuals with RYR3-related conditions. This variant is not present in population databases (ExAC no frequency). This sequence change falls in intron 32 of the RYR3 gene. It does not directly change the encoded amino acid sequence of the RYR3 protein, but it affects a nucleotide within the consensus splice site of the intron.

Literature cited by the submitters: PubMed 17576681; PubMed 9536098.

NM_001036.6(RYR3):c.4309-3C>G

Gene: RYR3 (ryanodine receptor 3; plus strand). Cytogenetic location: 15q14.
Variant type: single nucleotide variant.
Coding change: c.4309-3C>G on transcript NM_001036.6 (MANE Select); 3 bases into the intron before coding-DNA position 4309, C replaced by G.
Molecular consequence: intron variant.
Genome position (GRCh38, 1-based): chr15:33,659,717, C>G. VCF-style: chr15-33659717-C-G. GRCh37 (hg19) VCF-style: chr15-33951918-C-G.
Other names: c.4309-3C>G (NM_001243996.4).
Identifiers: ClinVar variation 648173 (VCV000648173.8), dbSNP rs1417754004, ClinGen allele CA915946497.
Genomic context (GRCh38, chr15:33,659,717, plus strand): 5'-GCTGAGCCAGCTGTGTTGTTTGTCCAGCTCTGGGCAAAGCTTTCGATTTGTTTTGATTTC[C>G]AGGTGGAGCCTAATACCAAAGTGTTTCCAGCAGTCTTCCTGCAGCCTACAAGTACTTCTT-3'